The following is an entry in ClinVar:

NM_002350.4(LYN):c.616G>A (p.Asp206Asn)

Gene: LYN (LYN proto-oncogene, Src family tyrosine kinase; plus strand). Cytogenetic location: 8q12.1.
Variant type: single nucleotide variant.
Coding change: c.616G>A on transcript NM_002350.4 (MANE Select); coding-DNA position 616, G replaced by A.
Protein change: p.Asp206Asn; replaces aspartic acid 206 with asparagine.
Molecular consequence: missense variant.
Genome position (GRCh38, 1-based): chr8:55,952,094, G>A. VCF-style: chr8-55952094-G-A. GRCh37 (hg19) VCF-style: chr8-56864653-G-A.
Other names: c.553G>A, p.Asp185Asn (NM_001111097.3); short protein forms D185N, D206N.
Identifiers: ClinVar variation 1510311 (VCV001510311.6), dbSNP rs759824481, ClinGen allele CA4754066.

ClinVar aggregate classification (germline): Uncertain significance (1 of 4 stars; one submission).

Allele frequency attached by ClinVar (database versions not stated): gnomAD 0.00001; gnomAD exomes 0.00002 and 0.00006; TOPMed 0.00002; ExAC 0.00005.

Submission:

Labcorp Genetics (formerly Invitae), Labcorp
Classification: Uncertain significance. Last evaluated: 2025-11-11. Review status: criteria provided, single submitter. Criteria: Invitae Variant Classification Sherloc (09022015). Collection method: clinical testing. Allele origin: germline.
Comment: This sequence change replaces aspartic acid, which is acidic and polar, with asparagine, which is neutral and polar, at codon 206 of the LYN protein (p.Asp206Asn). This variant is present in population databases (rs759824481, gnomAD 0.04%), and has an allele count higher than expected for a pathogenic variant. This variant has not been reported in the literature in individuals affected with LYN-related conditions. ClinVar contains an entry for this variant (Variation ID: 1510311). An algorithm developed to predict the effect of missense changes on protein structure and function (PolyPhen-2) suggests that this variant is likely to be tolerated. In summary, the available evidence is currently insufficient to determine the role of this variant in disease. Therefore, it has been classified as a Variant of Uncertain Significance.